The following is an entry in ClinVar:

ClinVar aggregate classification (germline): Likely benign. Review status: criteria provided, multiple submitters, no conflicts (2 of 4 stars). 2 submissions from 2 submitters: Likely benign (2). Last evaluated 2026-01-28.

Allele frequency attached by ClinVar (database versions not stated): gnomAD 0.00001; ExAC 0.00003; gnomAD exomes 0.00004; 1000 Genomes Project 0.00020; 1000 Genomes Project 30x 0.00031.
gnomAD v4.1: 63 of 1,610,072 alleles (0.0039%); highest among the groups gnomAD compares: South Asian, 0.037%; 1 homozygote.

Submissions (2):

Labcorp Genetics (formerly Invitae), Labcorp
Classification: Likely benign. Last evaluated: 2026-01-28. Review status: criteria provided, single submitter. Criteria: Invitae Variant Classification Sherloc (09022015). Collection method: clinical testing. Allele origin: germline.

CeGaT Center for Human Genetics Tuebingen
Classification: Likely benign. Last evaluated: 2022-05-01. Review status: criteria provided, single submitter. Criteria: CeGaT Center For Human Genetics Tuebingen Variant Classification Criteria Version 2. Collection method: clinical testing. Allele origin: germline. Affected: yes. Observed: 1 variant allele.
Comment: ABCC8: BP4, BP7

NM_000352.6(ABCC8):c.2487G>A (p.Leu829=)

Gene: ABCC8 (ATP binding cassette subfamily C member 8; minus strand). Cytogenetic location: 11p15.1.
Variant type: single nucleotide variant.
Coding change: c.2487G>A on transcript NM_000352.6 (MANE Select); coding-DNA position 2487, G replaced by A.
Protein change: p.Leu829=; no amino-acid change (leucine 829 retained).
Molecular consequence: synonymous variant. On other transcripts: non-coding transcript variant (1).
Genome position (GRCh38, 1-based): chr11:17,412,735, C>T on the plus strand (G>A on the coding strand, the complement: ABCC8 is on the minus strand). VCF-style: chr11-17412735-C-T. GRCh37 (hg19) VCF-style: chr11-17434282-C-T.
Other names: c.2490G>A, p.Leu830= (NM_001287174.3); c.2553G>A, p.Leu851= (NM_001351295.2); c.2487G>A, p.Leu829= (NM_001351296.2); c.2484G>A, p.Leu828= (NM_001351297.2).
Identifiers: ClinVar variation 1101124 (VCV001101124.39), dbSNP rs550307286, ClinGen allele CA5903108.